The following is an entry in ClinVar:

NM_033026.6(PCLO):c.8662G>A (p.Val2888Ile)

Gene: PCLO (piccolo presynaptic cytomatrix protein; minus strand). Cytogenetic location: 7q21.11.
Variant type: single nucleotide variant.
Coding change: c.8662G>A on transcript NM_033026.6 (MANE Select); coding-DNA position 8662, G replaced by A.
Protein change: p.Val2888Ile; replaces valine 2888 with isoleucine.
Molecular consequence: missense variant.
Genome position (GRCh38, 1-based): chr7:82,952,291, C>T on the plus strand (G>A on the coding strand, the complement: PCLO is on the minus strand). VCF-style: chr7-82952291-C-T. GRCh37 (hg19) VCF-style: chr7-82581607-C-T.
Other names: c.8662G>A (NM_033026.5); c.8662G>A, p.Val2888Ile (NM_014510.3); short protein forms V2888I.
Identifiers: ClinVar variation 1587823 (VCV001587823.32), dbSNP rs529385259, ClinGen allele CA4320087.

ClinVar aggregate classification (germline): Benign/Likely benign. Review status: criteria provided, multiple submitters, no conflicts (2 of 4 stars). 4 submissions from 4 submitters: Benign (1); Likely benign (3). Last evaluated 2025-09-08.

Conditions:
Inborn genetic diseases. Identifiers: MedGen C0950123, MeSH D030342.

Allele frequency attached by ClinVar (database versions not stated): gnomAD 0.00006 and 0.00046; TOPMed 0.00011; gnomAD exomes 0.00053 and 0.00100; ExAC 0.00109; 1000 Genomes Project 30x 0.00281; 1000 Genomes Project 0.00300.
gnomAD v4.1: 855 of 1,613,908 alleles (0.053%); highest among the groups gnomAD compares: South Asian, 0.85%; 10 homozygotes.

Submissions (4):

Labcorp Genetics (formerly Invitae), Labcorp
Classification: Benign. Last evaluated: 2025-09-08. Review status: criteria provided, single submitter. Criteria: Invitae Variant Classification Sherloc (09022015). Collection method: clinical testing. Allele origin: germline.

Blueprint Genetics
Classification: Likely benign. Last evaluated: 2024-05-06. Review status: criteria provided, single submitter. Criteria: ACMG Guidelines, 2015. Collection method: clinical testing. Allele origin: germline.

CeGaT Center for Human Genetics Tuebingen
Classification: Likely benign. Last evaluated: 2023-12-01. Review status: criteria provided, single submitter. Criteria: CeGaT Center For Human Genetics Tuebingen Variant Classification Criteria Version 2. Collection method: clinical testing. Allele origin: germline. Affected: yes. Observed: 1 variant allele.
Comment: PCLO: BP4, BS2

Ambry Genetics
Classification: Likely benign for Inborn genetic diseases. Last evaluated: 2022-03-30. Review status: criteria provided, single submitter. Criteria: Ambry Variant Classification Scheme 2023. Collection method: clinical testing. Allele origin: germline.